The following is an entry in ClinVar:

ClinVar aggregate classification (germline): Uncertain significance (1 of 4 stars; one submission).

Conditions:
Severe early-onset pulmonary alveolar proteinosis due to MARS deficiency. Also called: PULMONARY ALVEOLAR PROTEINOSIS, REUNION ISLAND; Interstitial lung and liver disease. Identifiers: Orphanet 440427, MedGen C4225400, MONDO:0014206, OMIM 615486.
Charcot-Marie-Tooth disease axonal type 2U. Also called: CHARCOT-MARIE-TOOTH NEUROPATHY, TYPE 2U; CHARCOT-MARIE-TOOTH DISEASE, AXONAL, AUTOSOMAL DOMINANT, TYPE 2U. Identifiers: Orphanet 397735, MedGen C4084821, MONDO:0014566, OMIM 616280.

Submission:

Labcorp Genetics (formerly Invitae), Labcorp
Classification: Uncertain significance for Charcot-Marie-Tooth disease axonal type 2U; Severe early-onset pulmonary alveolar proteinosis due to MARS deficiency. Last evaluated: 2022-06-12. Review status: criteria provided, single submitter. Criteria: Invitae Variant Classification Sherloc (09022015). Collection method: clinical testing. Allele origin: germline.
Comment: In summary, the available evidence is currently insufficient to determine the role of this variant in disease. Therefore, it has been classified as a Variant of Uncertain Significance. Algorithms developed to predict the effect of missense changes on protein structure and function are either unavailable or do not agree on the potential impact of this missense change (SIFT: "Deleterious"; PolyPhen-2: "Benign"; Align-GVGD: "Class C0"). This variant has not been reported in the literature in individuals affected with MARS-related conditions. This variant is not present in population databases (gnomAD no frequency). This sequence change replaces cysteine, which is neutral and slightly polar, with tyrosine, which is neutral and polar, at codon 778 of the MARS protein (p.Cys778Tyr).

NM_004990.4(MARS1):c.2333G>A (p.Cys778Tyr)

Gene: MARS1 (methionyl-tRNA synthetase 1; plus strand). Cytogenetic location: 12q13.3.
Variant type: single nucleotide variant.
Coding change: c.2333G>A on transcript NM_004990.4 (MANE Select); coding-DNA position 2333, G replaced by A.
Protein change: p.Cys778Tyr; replaces cysteine 778 with tyrosine.
Molecular consequence: missense variant.
Genome position (GRCh38, 1-based): chr12:57,515,278, G>A. VCF-style: chr12-57515278-G-A. GRCh37 (hg19) VCF-style: chr12-57909061-G-A.
Other names: short protein forms C778Y.
Identifiers: ClinVar variation 2104916 (VCV002104916.4), dbSNP rs2540319835, ClinGen allele CA385466613.